The following is an entry in ClinVar:

NM_002291.3(LAMB1):c.544A>G (p.Met182Val)

Gene: LAMB1 (laminin subunit beta 1; minus strand). Cytogenetic location: 7q31.1.
Variant type: single nucleotide variant.
Coding change: c.544A>G on transcript NM_002291.3 (MANE Select); coding-DNA position 544, A replaced by G.
Protein change: p.Met182Val; replaces methionine 182 with valine.
Molecular consequence: missense variant.
Genome position (GRCh38, 1-based): chr7:107,986,243, T>C on the plus strand (A>G on the coding strand, the complement: LAMB1 is on the minus strand). VCF-style: chr7-107986243-T-C. GRCh37 (hg19) VCF-style: chr7-107626688-T-C.
Other names: short protein forms M182V.
Identifiers: ClinVar variation 435726 (VCV000435726.10), dbSNP rs777529426, ClinGen allele CA4436263.

ClinVar aggregate classification (germline): Uncertain significance. Review status: criteria provided, multiple submitters, no conflicts (2 of 4 stars). 4 submissions from 4 submitters: Uncertain significance (4). Last evaluated 2026-06-01.

Conditions:
LAMB1-related disorder. Also called: LAMB1-related condition.
Inborn genetic diseases. Identifiers: MedGen C0950123, MeSH D030342.

Allele frequency attached by ClinVar (database versions not stated): ExAC 0.00001; gnomAD 0.00001; gnomAD exomes 0.00001 and 0.00002; TOPMed 0.00002.

Submissions (4):

PreventionGenetics, part of Exact Sciences
Classification: Uncertain significance for LAMB1-related condition. Last evaluated: 2026-06-01. Review status: criteria provided, single submitter. Criteria: ACMG Guidelines, 2015. Collection method: clinical testing. Allele origin: germline.
Comment: The LAMB1 c.544A>G variant is predicted to result in the amino acid substitution p.Met182Val. To our knowledge, this variant has not been reported in the literature. This variant is reported in 0.0098% of alleles in individuals of South Asian descent in gnomAD. At this time, the clinical significance of this variant is uncertain due to the absence of conclusive functional and genetic evidence.

Ambry Genetics
Classification: Uncertain significance for Inborn genetic diseases. Last evaluated: 2025-09-24. Review status: criteria provided, single submitter. Criteria: Ambry Variant Classification Scheme 2023. Collection method: clinical testing. Allele origin: germline.

GeneDx
Classification: Uncertain significance. Last evaluated: 2019-04-01. Review status: criteria provided, single submitter. Criteria: GeneDx Variant Classification Process June 2021. Collection method: clinical testing. Allele origin: germline. Affected: yes.
Comment: Not observed at a significant frequency in large population cohorts (Lek et al., 2016); In silico analysis, which includes protein predictors and evolutionary conservation, supports that this variant does not alter protein structure/function; Has not been previously published as pathogenic or benign to our knowledge

Genetic Services Laboratory, University of Chicago
Classification: Uncertain significance. Last evaluated: 2017-02-27. Review status: criteria provided, single submitter. Criteria: ACMG Guidelines, 2015. Collection method: clinical testing. Allele origin: germline. Affected: no.